The following is an entry in ClinVar:

NM_021815.5(SLC5A7):c.175A>T (p.Thr59Ser)

Gene: SLC5A7 (solute carrier family 5 member 7; plus strand). Cytogenetic location: 2q12.3.
Variant type: single nucleotide variant.
Coding change: c.175A>T on transcript NM_021815.5 (MANE Select); coding-DNA position 175, A replaced by T.
Protein change: p.Thr59Ser; replaces threonine 59 with serine.
Molecular consequence: missense variant. On other transcripts: 5 prime UTR variant (1), intron variant (1).
Genome position (GRCh38, 1-based): chr2:107,988,330, A>T. VCF-style: chr2-107988330-A-T. GRCh37 (hg19) VCF-style: chr2-108604786-A-T.
Other names: c.175A>T, p.Thr59Ser (NM_001305005.3); c.-530A>T (NM_001305007.3); c.-138+1567A>T (NM_001305006.3); short protein forms T59S.
Identifiers: ClinVar variation 2943080 (VCV002943080.3), dbSNP rs2467051578, ClinGen allele CA348020204.
Genomic context (GRCh38, chr2:107,988,330, plus strand): 5'-AGCGAAGCCATCATAGTTGGTGGCCGAGATATTGGTTTATTGGTTGGTGGATTTACCATG[A>T]CAGGTACGTTCAGACGCCGCCGGCTCCATGCAGTCCTCCCTTCCTTGGCATCTGTGAGTG-3'
Protein context (NP_068587.1, residues 49-69): IGLLVGGFTM[Thr59Ser]ATWVGGGYIN

ClinVar aggregate classification (germline): Uncertain significance (1 of 4 stars; one submission).

Conditions:
Congenital myasthenic syndrome 20. Also called: Myasthenic syndrome, congenital, 20, presynaptic. Identifiers: MedGen C4310694, MONDO:0014939, OMIM 617143.
Neuronopathy, distal hereditary motor, type 7A. Also called: Neuronopathy, distal hereditary motor, type viia; NEURONOPATHY, DISTAL HEREDITARY MOTOR, HARDING TYPE VIIA; NEUROPATHY, DISTAL HEREDITARY MOTOR, HARDING TYPE VIIA; Neuronopathy, distal hereditary motor, autosomal dominant 7; HARPER-YOUNG MYOPATHY; HMN VIIA. Identifiers: Orphanet 139589, MedGen C1834703, MONDO:0008024, OMIM 158580.

Submission:

Labcorp Genetics (formerly Invitae), Labcorp
Classification: Uncertain significance for Neuronopathy, distal hereditary motor, type 7A; Congenital myasthenic syndrome 20. Last evaluated: 2023-05-22. Review status: criteria provided, single submitter. Criteria: Invitae Variant Classification Sherloc (09022015). Collection method: clinical testing. Allele origin: germline.
Comment: This variant is not present in population databases (gnomAD no frequency). This sequence change replaces threonine, which is neutral and polar, with serine, which is neutral and polar, at codon 59 of the SLC5A7 protein (p.Thr59Ser). In summary, the available evidence is currently insufficient to determine the role of this variant in disease. Therefore, it has been classified as a Variant of Uncertain Significance. Advanced modeling of protein sequence and biophysical properties (such as structural, functional, and spatial information, amino acid conservation, physicochemical variation, residue mobility, and thermodynamic stability) performed at Invitae indicates that this missense variant is not expected to disrupt SLC5A7 protein function. This variant has not been reported in the literature in individuals affected with SLC5A7-related conditions.